The following is an entry in ClinVar:

ClinVar aggregate classification (germline): Conflicting classifications of pathogenicity. Review status: criteria provided, conflicting classifications (1 of 4 stars). 3 submissions from 3 submitters: Uncertain significance (2); Likely benign (1). Last evaluated 2025-04-09.

Conditions:
Dilated cardiomyopathy 1O (CMD1O). Also called: CARDIOMYOPATHY, DILATED, WITH VENTRICULAR TACHYCARDIA. Identifiers: Orphanet 154, MedGen C1837839, MONDO:0012062, OMIM 608569.
Cardiovascular phenotype. Identifiers: MedGen CN230736.
Cardiomyopathy (CMYO). Also called: Cardiomyopathies. Identifiers: Orphanet 167848, MedGen C0878544, MONDO:0004994, HP:0001638. Inheritance: Various modes of inheritance.

Allele frequency attached by ClinVar (database versions not stated): gnomAD exomes below 0.00001; gnomAD 0.00002; TOPMed 0.00002.
gnomAD v4.1: 4 of 1,613,010 alleles (0.00025%); highest among the groups gnomAD compares: African/African-American, 0.0053%; no homozygotes.

Submissions (3):

Labcorp Genetics (formerly Invitae), Labcorp
Classification: Uncertain significance for Dilated cardiomyopathy 1O. Last evaluated: 2025-04-09. Review status: criteria provided, single submitter. Criteria: Invitae Variant Classification Sherloc (09022015). Collection method: clinical testing. Allele origin: germline.
Comment: This sequence change replaces phenylalanine, which is neutral and non-polar, with serine, which is neutral and polar, at codon 532 of the ABCC9 protein (p.Phe532Ser). This variant is not present in population databases (gnomAD no frequency). This variant has not been reported in the literature in individuals affected with ABCC9-related conditions. ClinVar contains an entry for this variant (Variation ID: 691728). Invitae Evidence Modeling of protein sequence and biophysical properties (such as structural, functional, and spatial information, amino acid conservation, physicochemical variation, residue mobility, and thermodynamic stability) indicates that this missense variant is expected to disrupt ABCC9 protein function with a positive predictive value of 95%. In summary, the available evidence is currently insufficient to determine the role of this variant in disease. Therefore, it has been classified as a Variant of Uncertain Significance.

Ambry Genetics
Classification: Uncertain significance for Cardiovascular phenotype. Last evaluated: 2024-05-29. Review status: criteria provided, single submitter. Criteria: Ambry Variant Classification Scheme 2023. Collection method: clinical testing. Allele origin: germline.
Comment: The p.F532S variant (also known as c.1595T>C), located in coding exon 10 of the ABCC9 gene, results from a T to C substitution at nucleotide position 1595. The phenylalanine at codon 532 is replaced by serine, an amino acid with highly dissimilar properties. This amino acid position is highly conserved in available vertebrate species. In addition, this alteration is predicted to be deleterious by in silico analysis. Based on the available evidence, the clinical significance of this variant remains unclear.

Center for Advanced Laboratory Medicine, UC San Diego Health, University of California San Diego
Classification: Likely benign for Cardiomyopathy. Last evaluated: 2017-06-06. Review status: criteria provided, single submitter. Criteria: ACMG Guidelines, 2015. Collection method: clinical testing. Allele origin: germline. Affected: yes. Observed: 2 variant alleles.

NM_020297.4(ABCC9):c.1595T>C (p.Phe532Ser)

Gene: ABCC9 (ATP binding cassette subfamily C member 9; minus strand). Cytogenetic location: 12p12.1.
Variant type: single nucleotide variant.
Coding change: c.1595T>C on transcript NM_020297.4 (MANE Select); coding-DNA position 1595, T replaced by C.
Protein change: p.Phe532Ser; replaces phenylalanine 532 with serine.
Molecular consequence: missense variant.
Genome position (GRCh38, 1-based): chr12:21,906,149, A>G on the plus strand (T>C on the coding strand, the complement: ABCC9 is on the minus strand). VCF-style: chr12-21906149-A-G. GRCh37 (hg19) VCF-style: chr12-22059083-A-G.
Other names: c.1595T>C (NM_005691.2); c.1595T>C, p.Phe532Ser (NM_001377273.1, NM_005691.4); c.731T>C, p.Phe244Ser (NM_001377274.1); short protein forms F532S, F244S.
Identifiers: ClinVar variation 691728 (VCV000691728.9), dbSNP rs934763013, ClinGen allele CA233633314.
Genomic context (GRCh38, chr12:21,906,149, plus strand): 5'-CTTAAAGTCGCCTGTTCTTAGAGCAACAGCAACTTACTGGAGAGTGATGTATATAGTGCA[A>G]AGGTTTTGAGACTAGATAGTTCTTTCATTCTTGTTTCCTCCACACTTTTGCAGAAAATGT-3'
Protein context (NP_064693.2, residues 522-542): RMKELSSLKT[Phe532Ser]ALYTSLSIFM